The following is an entry in ClinVar:

ClinVar aggregate classification (germline): Likely pathogenic (1 of 4 stars; one submission).

Conditions:
CFTR-related disorder (CFTR-RD). Also called: CFTR-related disorders; CFTR-related condition. Identifiers: MedGen C5924204, MONDO:7770004.

Submission:

Natera, Inc.
Classification: Likely pathogenic for CFTR-related disorders. Last evaluated: 2024-12-02. Review status: criteria provided, single submitter. Criteria: Natera Variant Classification Schema (03/2026). Collection method: clinical testing. Allele origin: germline.
Comment: The c.4136+1G>T variant in CFTR is a canonical splice donor site variant predicted to affect pre-mRNA splicing, which may result in an abnormal transcript and altered protein product. This variant is expected to result in nonsense mediated decay, truncation, or a dysfunctional protein product. This variant is rare in the general population with a frequency below the threshold expected for the associated phenotype(s). Given the available evidence, this variant is classified as Likely Pathogenic.

NM_000492.4(CFTR):c.4136+1G>T

Gene: CFTR (CF transmembrane conductance regulator; plus strand). Cytogenetic location: 7q31.2.
Variant type: single nucleotide variant.
Coding change: c.4136+1G>T on transcript NM_000492.4 (MANE Select); the canonical splice donor site of the intron after coding-DNA position 4136, G replaced by T.
Molecular consequence: splice donor variant.
Genome position (GRCh38, 1-based): chr7:117,664,861, G>T. VCF-style: chr7-117664861-G-T. GRCh37 (hg19) VCF-style: chr7-117304915-G-T.
Identifiers: ClinVar variation 4818551 (VCV004818551.1).